The following is an entry in ClinVar:

ClinVar aggregate classification (germline): Conflicting classifications of pathogenicity. Review status: criteria provided, conflicting classifications (1 of 4 stars). 2 submissions from 2 submitters: Uncertain significance (1); Likely benign (1). Last evaluated 2026-01-07.

Conditions:
Familial thoracic aortic aneurysm and aortic dissection (TAAD). Also called: Thoracic aortic aneurysms and dissections. Identifiers: Orphanet 91387, MedGen C4707243, MONDO:0019625.

gnomAD v4.1: 1 of 1,613,880 alleles (0.000062%); no homozygotes.

Submissions (2):

Ambry Genetics
Classification: Uncertain significance for Familial thoracic aortic aneurysm and aortic dissection. Last evaluated: 2026-01-07. Review status: criteria provided, single submitter. Criteria: Ambry Variant Classification Scheme 2023. Collection method: clinical testing. Allele origin: germline.
Comment: The c.7602G>T variant (also known as p.L2534L), located in coding exon 61 of the FBN1 gene, results from a G to T substitution at nucleotide position 7602. This nucleotide substitution does not change the amino acid at codon 2534. This nucleotide position is not well conserved in available vertebrate species. In silico splice site analysis for this alteration is inconclusive. Based on the available evidence, the clinical significance of this variant remains unclear.

Color Diagnostics, LLC DBA Color Health
Classification: Likely benign for Familial thoracic aortic aneurysm and aortic dissection. Last evaluated: 2019-03-19. Review status: criteria provided, single submitter. Criteria: ACMG Guidelines, 2015. Collection method: clinical testing. Allele origin: germline.

NM_000138.5(FBN1):c.7602G>T (p.Leu2534=)

Gene: FBN1 (fibrillin 1; minus strand). Cytogenetic location: 15q21.1.
Variant type: single nucleotide variant.
Coding change: c.7602G>T on transcript NM_000138.5 (MANE Select); coding-DNA position 7602, G replaced by T.
Protein change: p.Leu2534=; no amino-acid change (leucine 2534 retained).
Molecular consequence: synonymous variant.
Genome position (GRCh38, 1-based): chr15:48,421,655, C>A on the plus strand (G>T on the coding strand, the complement: FBN1 is on the minus strand). VCF-style: chr15-48421655-C-A. GRCh37 (hg19) VCF-style: chr15-48713852-C-A.
Identifiers: ClinVar variation 925488 (VCV000925488.3), dbSNP rs1392530685, ClinGen allele CA490015824.